The following is an entry in ClinVar:

ClinVar aggregate classification (germline): Likely pathogenic (1 of 4 stars; one submission).

Conditions:
Hereditary cancer-predisposing syndrome. Also called: Hereditary neoplastic syndrome; Neoplastic Syndromes, Hereditary; Tumor predisposition; Hereditary Cancer Syndrome. Identifiers: Orphanet 140162, MedGen C0027672, MeSH D009386, MONDO:0015356.

Submission:

Ambry Genetics
Classification: Likely pathogenic for Hereditary cancer-predisposing syndrome. Last evaluated: 2025-07-15. Review status: criteria provided, single submitter. Criteria: Ambry Variant Classification Scheme 2023. Collection method: clinical testing. Allele origin: germline.
Comment: The p.W269* variant (also known as c.807G>A), located in coding exon 5 of the NTHL1 gene, results from a G to A substitution at nucleotide position 807. This changes the amino acid from a tryptophan to a stop codon within coding exon 5. This alteration occurs at the 3' terminus of theNTHL1 gene, is not expected to trigger nonsense-mediated mRNA decay, and impacts the last 14% of the protein. However, premature stop codons are typically deleterious in nature and the impacted region is critical for protein function and a significant portion of the protein is affected (Ambry internal data). Based on the majority of available evidence to date, this variant is likely to be pathogenic

NM_002528.7(NTHL1):c.783G>A (p.Trp261Ter)

Gene: NTHL1 (nth like DNA glycosylase 1; minus strand). Cytogenetic location: 16p13.3.
Variant type: single nucleotide variant.
Coding change: c.783G>A on transcript NM_002528.7 (MANE Select); coding-DNA position 783, G replaced by A.
Protein change: p.Trp261Ter; replaces tryptophan 261 with a stop codon.
Molecular consequence: nonsense.
Genome position (GRCh38, 1-based): chr16:2,040,141, C>T on the plus strand (G>A on the coding strand, the complement: NTHL1 is on the minus strand). VCF-style: chr16-2040141-C-T. GRCh37 (hg19) VCF-style: chr16-2090142-C-T.
Other names: c.612G>A, p.Trp204Ter (NM_001318193.2); c.453G>A, p.Trp151Ter (NM_001318194.2); short protein forms W261*, W151*, W204*.
Identifiers: ClinVar variation 4123314 (VCV004123314.1).